The following is an entry in ClinVar:

ClinVar aggregate classification (germline): Likely pathogenic (1 of 4 stars; one submission).

Conditions:
Ehlers-Danlos syndrome, classic type, 2 (EDSCL2). Also called: Ehlers-Danlos syndrome, type 2; Ehlers-Danlos syndrome type 2 (formerly); Ehlers-Danlos Syndrome, Classic Type, COL5A2-Related. Identifiers: Orphanet 287, Orphanet 90318, MedGen C0268336, MONDO:0019568, OMIM 130010.

Submission:

Laboratorio de Genetica e Diagnostico Molecular, Hospital Israelita Albert Einstein
Classification: Likely pathogenic for Ehlers-Danlos syndrome, classic type, 2. Last evaluated: 2022-05-19. Review status: criteria provided, single submitter. Criteria: ACMG Guidelines, 2015. Collection method: clinical testing. Allele origin: germline. Affected: yes. Observed: 1 variant allele.
Comment: ACMG classification criteria: PVS1 strong, PM2 moderated

NM_000393.5(COL5A2):c.2031+1G>A

Gene: COL5A2 (collagen type V alpha 2 chain; minus strand). Cytogenetic location: 2q32.2.
Variant type: single nucleotide variant.
Coding change: c.2031+1G>A on transcript NM_000393.5 (MANE Select); the canonical splice donor site of the intron after coding-DNA position 2031, G replaced by A.
Molecular consequence: splice donor variant.
Genome position (GRCh38, 1-based): chr2:189,061,561, C>T on the plus strand (G>A on the coding strand, the complement: COL5A2 is on the minus strand). VCF-style: chr2-189061561-C-T. GRCh37 (hg19) VCF-style: chr2-189926287-C-T.
Identifiers: ClinVar variation 2431553 (VCV002431553.1), dbSNP rs786205104, ClinGen allele CA349877877.